The following is an entry in ClinVar:

ClinVar aggregate classification (germline): Pathogenic (1 of 4 stars; one submission).

Conditions:
Fabry disease. Also called: ALPHA-GALACTOSIDASE A DEFICIENCY; ANDERSON-FABRY DISEASE; CERAMIDE TRIHEXOSIDASE DEFICIENCY; GLA DEFICIENCY; HEREDITARY DYSTOPIC LIPIDOSIS; Angiokeratoma corporis diffusum. Identifiers: Orphanet 324, MedGen C0002986, MONDO:0010526, OMIM 301500, HP:0001071. Disease mechanism: Fabry disease is due to inactivating mutations in the X-linked GLA gene resulting in deficiency of the enzyme Alpha Galactosidase-A., loss of function.

Submission:

Genomenon, Inc
Classification: Pathogenic for Fabry disease. Last evaluated: 2026-09-08. Review status: criteria provided, single submitter. Criteria: Genomenon Sequence Variant Interpretation Standards - Updated. Collection method: curation. Allele origin: germline. Affected: yes.
Comment: GLA p.Gly43Asp (c.128G>A) is a missense variant that changes the amino acid at codon 43 from Glycine to Aspartic acid. This variant has been observed in at least one proband with clinical features consistent with Fabry disease (PMID:19265719;34704396;17619837;31956509;35743707;12175777). The variant was found to segregate with disease in at least one affected family (PMID:17619837;35743707). At least one functional study has demonstrated a substantial alteration in protein function relative to the wild-type (PMID:27657681). This variant is located in a mutational hotspot and/or important functional domain. It is absent or not present at a significant frequency in gnomAD. In silico models predict that this variant is possibly or probably damaging. In conclusion, we classify GLA p.Gly43Asp (c.128G>A) as a pathogenic variant.

Literature cited by the submitters: PubMed 19265719; PubMed 34704396; PubMed 17619837; PubMed 31956509; PubMed 35743707; PubMed 12175777; PubMed 27657681.

NM_000169.3(GLA):c.128G>A (p.Gly43Asp)

Genes: GLA (galactosidase alpha; minus strand), RPL36A-HNRNPH2 (RPL36A-HNRNPH2 readthrough; plus strand). Cytogenetic location: Xq22.1.
Variant type: single nucleotide variant.
Coding change: c.128G>A on transcript NM_000169.3 (MANE Select); coding-DNA position 128, G replaced by A.
Protein change: p.Gly43Asp; replaces glycine 43 with aspartic acid.
Molecular consequence: missense variant. On other transcripts: non-coding transcript variant (3), intron variant (2).
Genome position (GRCh38, 1-based): chrX:101,407,776, C>T on the plus strand (G>A on the coding strand, the complement: GLA is on the minus strand). VCF-style: chrX-101407776-C-T. GRCh37 (hg19) VCF-style: chrX-100662764-C-T.
Other names: c.128G>A, p.Gly43Asp (NM_001406747.1, NM_001406748.1, NM_001406749.1); c.301-4160C>T (NM_001199973.2); c.178-4160C>T (NM_001199974.2); short protein forms G43D.
Identifiers: ClinVar variation 4087632 (VCV004087632.2).